The following is an entry in ClinVar:

ClinVar aggregate classification (germline): Likely benign (1 of 4 stars; one submission).

Allele frequency attached by ClinVar (database versions not stated): ExAC 0.00001; gnomAD 0.00005; gnomAD exomes 0.00006; TOPMed 0.00006.
gnomAD v4.1: 92 of 1,610,474 alleles (0.0057%); highest among the groups gnomAD compares: Non-Finnish European, 0.0071%; no homozygotes.

Submission:

CeGaT Center for Human Genetics Tuebingen
Classification: Likely benign. Last evaluated: 2022-11-01. Review status: criteria provided, single submitter. Criteria: CeGaT Center For Human Genetics Tuebingen Variant Classification Criteria Version 2. Collection method: clinical testing. Allele origin: germline. Affected: yes. Observed: 1 variant allele.
Comment: IQSEC1: BP4, BP7

NM_001134382.3(IQSEC1):c.1800C>T (p.His600=)

Gene: IQSEC1 (IQ motif and Sec7 domain ArfGEF 1; minus strand). Cytogenetic location: 3p25.2.
Variant type: single nucleotide variant.
Coding change: c.1800C>T on transcript NM_001134382.3 (MANE Select); coding-DNA position 1800, C replaced by T.
Protein change: p.His600=; no amino-acid change (histidine 600 retained).
Molecular consequence: synonymous variant.
Genome position (GRCh38, 1-based): chr3:12,922,173, G>A on the plus strand (C>T on the coding strand, the complement: IQSEC1 is on the minus strand). VCF-style: chr3-12922173-G-A. GRCh37 (hg19) VCF-style: chr3-12963673-G-A.
Other names: c.1476C>T, p.His492= (NM_001330619.3); c.2124C>T, p.His708= (NM_001376938.2); c.1842C>T, p.His614= (NM_014869.8).
Identifiers: ClinVar variation 1879574 (VCV001879574.29), dbSNP rs776067968, ClinGen allele CA2262171.